The following is an entry in ClinVar:

NM_002838.5(PTPRC):c.1297G>A (p.Asp433Asn)

Gene: PTPRC (protein tyrosine phosphatase receptor type C; plus strand). Cytogenetic location: 1q32.1.
Variant type: single nucleotide variant.
Coding change: c.1297G>A on transcript NM_002838.5 (MANE Select); coding-DNA position 1297, G replaced by A.
Protein change: p.Asp433Asn; replaces aspartic acid 433 with asparagine.
Molecular consequence: missense variant.
Genome position (GRCh38, 1-based): chr1:198,716,687, G>A. VCF-style: chr1-198716687-G-A. GRCh37 (hg19) VCF-style: chr1-198685816-G-A.
Other names: c.814G>A, p.Asp272Asn (NM_080921.4); short protein forms D433N, D272N.
Identifiers: ClinVar variation 464439 (VCV000464439.19), dbSNP rs140403368, ClinGen allele CA1314771.

ClinVar aggregate classification (germline): Conflicting classifications of pathogenicity. Review status: criteria provided, conflicting classifications (1 of 4 stars). 6 submissions from 6 submitters: Uncertain significance (4); Likely benign (1). 1 of the submissions does not count toward it. Last evaluated 2024-11-04.

Conditions:
PTPRC-related disorder. Also called: PTPRC-related condition.
Immunodeficiency 104. Also called: Severe combined immunodeficiency, autosomal recessive, T cell-negative, B cell-positive, NK cell-positive; Severe Combined Immune Deficiency, Autosomal Recessive, TCell -Negative, B Cell-Positive, NK Cell-Positive, IL7R-Related; IMMUNODEFICIENCY 104, SEVERE COMBINED; SCID, AUTOSOMAL RECESSIVE, T CELL-NEGATIVE, B CELL-POSITIVE, NK CELL-POSITIVE. Identifiers: MedGen C5676890, MONDO:0012163, OMIM 608971.

Allele frequency attached by ClinVar (database versions not stated): ESP Exome Variant Server 0.00069; gnomAD exomes 0.00089 and 0.00109; TOPMed 0.00090; ExAC 0.00093; gnomAD 0.00098 and 0.00103.
gnomAD v4.1: 1,723 of 1,611,320 alleles (0.11%); highest among the groups gnomAD compares: Non-Finnish European, 0.13%; no homozygotes.

Submissions (6):

Blueprint Genetics
Classification: Likely benign. Last evaluated: 2024-11-04. Review status: criteria provided, single submitter. Criteria: ACMG Guidelines, 2015. Collection method: clinical testing. Allele origin: germline.

Labcorp Genetics (formerly Invitae), Labcorp
Classification: Uncertain significance for Immunodeficiency 104. Last evaluated: 2022-10-29. Review status: criteria provided, single submitter. Criteria: Invitae Variant Classification Sherloc (09022015). Collection method: clinical testing. Allele origin: germline.
Comment: This sequence change replaces aspartic acid, which is acidic and polar, with asparagine, which is neutral and polar, at codon 433 of the PTPRC protein (p.Asp433Asn). This variant is present in population databases (rs140403368, gnomAD 0.2%), and has an allele count higher than expected for a pathogenic variant. This variant has not been reported in the literature in individuals affected with PTPRC-related conditions. ClinVar contains an entry for this variant (Variation ID: 464439). Algorithms developed to predict the effect of missense changes on protein structure and function output the following: SIFT: "Tolerated"; PolyPhen-2: "Benign"; Align-GVGD: "Class C0". The asparagine amino acid residue is found in multiple mammalian species, which suggests that this missense change does not adversely affect protein function. In summary, the available evidence is currently insufficient to determine the role of this variant in disease. Therefore, it has been classified as a Variant of Uncertain Significance.

GeneDx
Classification: Uncertain significance. Last evaluated: 2021-10-28. Review status: criteria provided, single submitter. Criteria: GeneDx Variant Classification Process June 2021. Collection method: clinical testing. Allele origin: germline. Affected: yes.
Comment: In silico analysis supports that this missense variant does not alter protein structure/function; Has not been previously published as pathogenic or benign to our knowledge

ARUP Laboratories, Molecular Genetics and Genomics, ARUP Laboratories
Classification: Uncertain significance. Last evaluated: 2020-04-30. Review status: criteria provided, single submitter. Criteria: ARUP Molecular Germline Variant Investigation Process. Collection method: clinical testing. Allele origin: germline.
Comment: The PTPRC c.1297G>A; p.Asp433Asn variant (rs140403368), to our knowledge, is not reported in the medical literature, gene specific variation databases, nor has it been previously identified by our laboratory. This variant is listed in the genome Aggregation Database (gnomAD) with an overall population frequency of 0.09% (identified on 259 out of 276,470 chromosomes) and is classified as a variant of unknown significance in ClinVar (ID: 464439). The aspartic acid at position 433 is weakly conserved, considering 12 species, and computational analyses of the effects of the p.Asp433Asn variant on protein structure and function do not predict a deleterious effect (SIFT: tolerated, PolyPhen-2: benign). Based on the available information, the clinical significance of the p.Asp433Asn variant cannot be determined with certainty.

Breakthrough Genomics
Classification: Uncertain significance. Review status: criteria provided, single submitter. Criteria: ACMG Guidelines, 2015. Collection method: not provided. Allele origin: germline. Inheritance: Autosomal recessive inheritance. Affected: yes.

PreventionGenetics, part of Exact Sciences
Classification: Likely benign for PTPRC-related condition. Last evaluated: 2023-11-08. Review status: no assertion criteria provided. Collection method: clinical testing. Allele origin: germline. Not counted in ClinVar's aggregate classification.
Comment: This variant is classified as likely benign based on ACMG/AMP sequence variant interpretation guidelines (Richards et al. 2015 PMID: 25741868, with internal and published modifications).